The following is an entry in ClinVar:

NM_032634.4(PIGO):c.1733G>A (p.Gly578Asp)

Gene: PIGO (phosphatidylinositol glycan anchor biosynthesis class O; minus strand). Cytogenetic location: 9p13.3.
Variant type: single nucleotide variant.
Coding change: c.1733G>A on transcript NM_032634.4 (MANE Select); coding-DNA position 1733, G replaced by A.
Protein change: p.Gly578Asp; replaces glycine 578 with aspartic acid.
Molecular consequence: missense variant. On other transcripts: intron variant (2).
Genome position (GRCh38, 1-based): chr9:35,092,154, C>T on the plus strand (G>A on the coding strand, the complement: PIGO is on the minus strand). VCF-style: chr9-35092154-C-T. GRCh37 (hg19) VCF-style: chr9-35092151-C-T.
Other names: c.1344+389G>A (NM_152850.4, NM_001201484.2); short protein forms G578D.
Identifiers: ClinVar variation 1302216 (VCV001302216.2), dbSNP rs1166648520, ClinGen allele CA373321527.
Genomic context (GRCh38, chr9:35,092,154, plus strand): 5'-TTAGGTGGAAGCAGCTGGCCCTCCCAGTGAAGCTGGACAACCAGGAGCAGGATGAATGAG[C>T]CCAAAAGGAAGGGGGTGGCCCTGGCCTCAGCTACAACAAAACTATCAGAGAAGAACACAG-3'
Protein context (NP_116023.2, residues 568-588): AEARATPFLL[Gly578Asp]SFILLLVVQL

ClinVar aggregate classification (germline): Uncertain significance (1 of 4 stars; one submission).

Allele frequency attached by ClinVar (database versions not stated): gnomAD exomes below 0.00001; gnomAD 0.00001; TOPMed 0.00003.
gnomAD v4.1: 5 of 1,614,054 alleles (0.00031%); highest among the groups gnomAD compares: African/African-American, 0.0067%; no homozygotes.

Submission:

GeneDx
Classification: Uncertain significance. Last evaluated: 2019-03-27. Review status: criteria provided, single submitter. Criteria: GeneDx Variant Classification Process June 2021. Collection method: clinical testing. Allele origin: germline. Affected: yes.
Comment: Not observed at a significant frequency in large population cohorts (Lek et al., 2016); In silico analysis, which includes protein predictors and evolutionary conservation, supports that this variant does not alter protein structure/function; Has not been previously published as pathogenic or benign to our knowledge